The following is an entry in ClinVar:

NM_000053.4(ATP7B):c.2701A>G (p.Lys901Glu)

Gene: ATP7B (ATPase copper transporting beta; minus strand). Cytogenetic location: 13q14.3.
Variant type: single nucleotide variant.
Coding change: c.2701A>G on transcript NM_000053.4 (MANE Select); coding-DNA position 2701, A replaced by G.
Protein change: p.Lys901Glu; replaces lysine 901 with glutamic acid.
Molecular consequence: missense variant.
Genome position (GRCh38, 1-based): chr13:51,950,036, T>C on the plus strand (A>G on the coding strand, the complement: ATP7B is on the minus strand). VCF-style: chr13-51950036-T-C. GRCh37 (hg19) VCF-style: chr13-52524172-T-C.
Other names: c.2215A>G, p.Lys739Glu (NM_001005918.3); c.2368A>G, p.Lys790Glu (NM_001243182.2); c.2467A>G, p.Lys823Glu (NM_001330578.2); c.2449A>G, p.Lys817Glu (NM_001330579.2); short protein forms K901E, K817E, K739E, K790E, K823E.
Identifiers: ClinVar variation 638357 (VCV000638357.4), dbSNP rs1593695760, ClinGen allele CA388034226.
Genomic context (GRCh38, chr13:51,950,036, plus strand): 5'-ATGAAGTTAGTTTTAAAAATTTCTTCATTACCTTTGACATCTGAGCCTCTTCCACCAGTT[T>C]CACAATCTGAGCCAAAGTGGTGTCATTGCCCACGTGGGTAGCTTTAATGAGCACAGAGCC-3'
Protein context (NP_000044.2, residues 891-911): GNDTTLAQIV[Lys901Glu]LVEEAQMSKA

ClinVar aggregate classification (germline): Uncertain significance. Review status: criteria provided, multiple submitters, no conflicts (2 of 4 stars). 2 submissions from 2 submitters: Uncertain significance (2). Last evaluated 2023-10-30.

Conditions:
Wilson disease (WND). Also called: Wilson's disease. Identifiers: Orphanet 905, MedGen C0019202, MONDO:0010200, OMIM 277900. Disease mechanism: loss of function.

Submissions (2):

All of Us Research Program, National Institutes of Health
Classification: Uncertain significance for Wilson disease. Last evaluated: 2023-10-30. Review status: criteria provided, single submitter. Criteria: ACMG Guidelines, 2015. Collection method: clinical testing. Allele origin: germline. Inheritance: Autosomal recessive inheritance. Observed: 3 variant alleles, 3 heterozygotes.
Comment: This missense variant replaces lysine with glutamic acid at codon 901 of the ATP7B protein. Computational prediction is inconclusive regarding the impact of this variant on protein structure and function (internally defined REVEL score threshold 0.5 < inconclusive < 0.7, PMID: 27666373). To our knowledge, functional studies have not been reported for this variant. This variant has not been reported in individuals affected with Wilson disease in the literature. This variant has not been identified in the general population by the Genome Aggregation Database (gnomAD). The available evidence is insufficient to determine the role of this variant in disease conclusively. Therefore, this variant is classified as a Variant of Uncertain Significance.

This study involves interpretation of variants in research participants for the purpose of population health screening. Participant phenotype was not available at the time of variant classification. Additional details can be found in publication PMID: 35346344, PMCID: PMC8962531

Genomic Research Center, Shahid Beheshti University of Medical Sciences
Classification: Uncertain significance for Wilson disease. Last evaluated: 2019-04-27. Review status: criteria provided, single submitter. Criteria: ACMG Guidelines, 2015. Collection method: clinical testing. Allele origin: inherited. Affected: yes.